The following is an entry in ClinVar:

NM_001363711.2(DUOX2):c.1883del (p.Lys628fs)

Gene: DUOX2 (dual oxidase 2; minus strand). Cytogenetic location: 15q21.1.
Variant type: Deletion.
Coding change: c.1883del on transcript NM_001363711.2 (MANE Select); coding-DNA position 1883, one base deleted (A; older notation c.1883delA).
Protein change: p.Lys628fs; shifts the reading frame from lysine 628.
Molecular consequence: frameshift variant.
Genome position (GRCh38, 1-based): chr15:45,106,590, T deleted on the plus strand (A on the coding strand, the reverse complement: DUOX2 is on the minus strand); the first of 2 consecutive T bases (chr15:45,106,590-45,106,591); deleting either gives the same sequence. VCF-style (leftmost placement, unchanged base first): chr15-45106589-CT-C. GRCh37 (hg19) VCF-style: chr15-45398787-CT-C.
Other names: c.1883delA (NM_014080.4); c.1883del (NM_014080.4); c.1883del, p.Lys628fs (NM_014080.5); short protein forms K628fs.
Identifiers: ClinVar variation 631734 (VCV000631734.12), dbSNP rs200592893, ClinGen allele CA7538460.
Genomic context (GRCh38, chr15:45,106,589, plus strand): 5'-TGGCACTCCATCTTTGGCTGCTTCCTTCTTCACGCTCTCTTTGAGTTTCTTTTGTAGCTT[CT>C]TGTGTTCTCGGCCCCGGAAATAGGCCACCACTCCAGAGAGAAGCAGACTCACTGAAGTGG-3'

ClinVar aggregate classification (germline): Pathogenic/Likely pathogenic. Review status: criteria provided, multiple submitters, no conflicts (2 of 4 stars). 4 submissions from 4 submitters: Pathogenic (3); Likely pathogenic (1). Last evaluated 2024-06-24.

Conditions:
Thyroid dyshormonogenesis 6 (TDH6). Also called: THYROID HORMONOGENESIS, GENETIC DEFECT IN, 6; Genetic transient congenital hypothyroidism; HYPOTHYROIDISM, CONGENITAL, DUE TO DYSHORMONOGENESIS, 6. Identifiers: Orphanet 226316, Orphanet 95716, MedGen C1846632, MONDO:0011792, OMIM 607200.

Submissions (4):

Fulgent Genetics
Classification: Pathogenic for Thyroid dyshormonogenesis 6. Last evaluated: 2024-06-24. Review status: criteria provided, single submitter. Criteria: ACMG Guidelines, 2015. Collection method: clinical testing. Allele origin: germline.

Labcorp Genetics (formerly Invitae), Labcorp
Classification: Pathogenic. Last evaluated: 2024-01-29. Review status: criteria provided, single submitter. Criteria: Invitae Variant Classification Sherloc (09022015). Collection method: clinical testing. Allele origin: germline.
Comment: This sequence change creates a premature translational stop signal (p.Lys628Argfs*11) in the DUOX2 gene. It is expected to result in an absent or disrupted protein product. Loss-of-function variants in DUOX2 are known to be pathogenic (PMID: 12110737, 18765513, 21565790, 24423310, 24735383). This variant is present in population databases (rs200592893, gnomAD 0.03%). This premature translational stop signal has been observed in individual(s) with congenital hypothyroidism (PMID: 18765513, 30022773, 32459320). In at least one individual the data is consistent with being in trans (on the opposite chromosome) from a pathogenic variant. It has also been observed to segregate with disease in related individuals. ClinVar contains an entry for this variant (Variation ID: 631734). For these reasons, this variant has been classified as Pathogenic.

Illumina Laboratory Services, Illumina
Classification: Likely pathogenic for Thyroid dyshormonogenesis 6. Last evaluated: 2017-07-26. Review status: criteria provided, single submitter. Criteria: ICSL Variant Classification Criteria 09 May 2019. Collection method: clinical testing. Allele origin: germline.
Comment: The DUOX2 c.1883delA (p.Lys628ArgfsTer11) variant results in a frameshift, and is predicted to result in premature termination of the protein. The p.Lys628ArgfsTer11 variant has been reported in two studies in which it is found in a compound heterozygous state with a second variant in five individuals, including four siblings, three of whom were diagnosed with transient congenital hypothyroidism and one who was diagnosed with transient hyperthyrotroinemia and mild learning disability. The unaffected mother of the four siblings was also a carrier of the p.Lys628ArgfsTer11 variant (Maruo et al. 2008; Maruo et al. 2016; Tan et al. 2016). The variant was absent from 100 Japanese control alleles and is reported at a frequency of 0.000318 in the East Asian population of the Genome Aggregation Database. Based on the evidence and the potential impact of frameshift variants, the p.Lys628ArgfsTer11 variant is classified as likely pathogenic for congenital hypothyroidism. This variant was observed by ICSL as part of a predisposition screen in an ostensibly healthy population.

Juno Genomics, Hangzhou Juno Genomics, Inc
Classification: Pathogenic for Thyroid dyshormonogenesis 6. Review status: criteria provided, single submitter. Criteria: ACMG Guidelines, 2015. Collection method: clinical testing. Allele origin: germline.
Comment: Absent from controls (or at extremely low frequency if recessive) in Genome Aggregation Database.;Null variant in a gene where loss of function (LOF) is a known mechanism of disease.;For recessive disorders, detected in trans with a pathogenic variant.;Co-segregation with disease in multiple affected family members.;Patient's phenotype or family history is highly specific for a disease with a single genetic etiology.

Literature cited by the submitters: PubMed 12110737 (cited by Labcorp Genetics (formerly Invitae), Labcorp); PubMed 18765513 (cited by Labcorp Genetics (formerly Invitae), Labcorp and Illumina Laboratory Services, Illumina); PubMed 21565790 (cited by Labcorp Genetics (formerly Invitae), Labcorp); PubMed 24423310 (cited by Labcorp Genetics (formerly Invitae), Labcorp); PubMed 24735383 (cited by Labcorp Genetics (formerly Invitae), Labcorp); PubMed 30022773 (cited by Labcorp Genetics (formerly Invitae), Labcorp); PubMed 32459320 (cited by Labcorp Genetics (formerly Invitae), Labcorp); PubMed 27557340 (cited by Illumina Laboratory Services, Illumina); PubMed 26742565 (cited by Illumina Laboratory Services, Illumina).